The following is an entry in ClinVar:

ClinVar aggregate classification (germline): Uncertain significance. Review status: criteria provided, multiple submitters, no conflicts (2 of 4 stars). 4 submissions from 4 submitters: Uncertain significance (4). Last evaluated 2026-02-02.

Conditions:
Mitochondrial complex II deficiency, nuclear type 1. Also called: SUCCINATE CoQ REDUCTASE DEFICIENCY. Identifiers: Orphanet 3208, MedGen C5700310, MONDO:0100294, OMIM 252011.
Pheochromocytoma/paraganglioma syndrome 5. Also called: Paragangliomas 5; SDHA-Related Hereditary Paraganglioma-Pheochromocytoma Syndrome. Identifiers: Orphanet 29072, MedGen C3279992, MONDO:0013602, OMIM 614165.
Hereditary cancer-predisposing syndrome. Also called: Neoplastic Syndromes, Hereditary; Hereditary Cancer Syndrome; Hereditary neoplastic syndrome; Tumor predisposition. Identifiers: Orphanet 140162, MedGen C0027672, MeSH D009386, MONDO:0015356.

Allele frequency attached by ClinVar (database versions not stated): gnomAD exomes below 0.00001.
gnomAD v4.1: 4 of 1,614,110 alleles (0.00025%); highest among the groups gnomAD compares: Non-Finnish European, 0.00034%; no homozygotes.

Submissions (4):

Labcorp Genetics (formerly Invitae), Labcorp
Classification: Uncertain significance for Pheochromocytoma/paraganglioma syndrome 5; Mitochondrial complex II deficiency, nuclear type 1. Last evaluated: 2026-02-02. Review status: criteria provided, single submitter. Criteria: Invitae Variant Classification Sherloc (09022015). Collection method: clinical testing. Allele origin: germline.
Comment: This sequence change replaces arginine, which is basic and polar, with glutamine, which is neutral and polar, at codon 345 of the SDHA protein (p.Arg345Gln). This variant is present in population databases (no rsID available, gnomAD 0.0009%). This variant has not been reported in the literature in individuals affected with SDHA-related conditions. ClinVar contains an entry for this variant (Variation ID: 472295). Invitae Evidence Modeling of protein sequence and biophysical properties (such as structural, functional, and spatial information, amino acid conservation, physicochemical variation, residue mobility, and thermodynamic stability) has been performed for this missense variant. However, the output from this modeling did not meet the statistical confidence thresholds required to predict the impact of this variant on SDHA protein function. In summary, the available evidence is currently insufficient to determine the role of this variant in disease. Therefore, it has been classified as a Variant of Uncertain Significance.

Ambry Genetics
Classification: Uncertain significance for Hereditary cancer-predisposing syndrome. Last evaluated: 2026-01-29. Review status: criteria provided, single submitter. Criteria: Ambry Variant Classification Scheme 2023. Collection method: clinical testing. Allele origin: germline.
Comment: The p.R345Q variant (also known as c.1034G>A), located in coding exon 8 of the SDHA gene, results from a G to A substitution at nucleotide position 1034. The arginine at codon 345 is replaced by glutamine, an amino acid with highly similar properties. This amino acid position is highly conserved in available vertebrate species. In addition, this alteration is predicted to be deleterious by in silico analysis. Based on the available evidence, the clinical significance of this variant remains unclear.

Quest Diagnostics Nichols Institute San Juan Capistrano
Classification: Uncertain significance. Last evaluated: 2025-01-13. Review status: criteria provided, single submitter. Criteria: Quest Diagnostics criteria. Collection method: clinical testing. Allele origin: unknown.
Comment: The SDHA c.1034G>A (p.Arg345Gln) variant has not been reported in individuals with SDHA-related conditions in the published literature. The frequency of this variant in the general population (Genome Aggregation Database) is uninformative in the assessment of its pathogenicity. Analysis of this variant using bioinformatics tools for the prediction of the effect of amino acid changes on protein structure and function yielded predictions that this variant is damaging. Based on the available information, we are unable to determine the clinical significance of this variant.

GeneDx
Classification: Uncertain significance. Last evaluated: 2024-10-09. Review status: criteria provided, single submitter. Criteria: GeneDx Variant Classification Process June 2021. Collection method: clinical testing. Allele origin: germline. Affected: yes.
Comment: Not observed at significant frequency in large population cohorts (gnomAD); In silico analysis supports that this missense variant has a deleterious effect on protein structure/function; Has not been previously published as pathogenic or benign to our knowledge

NM_004168.4(SDHA):c.1034G>A (p.Arg345Gln)

Gene: SDHA (succinate dehydrogenase complex flavoprotein subunit A; plus strand). Cytogenetic location: 5p15.33.
Variant type: single nucleotide variant.
Coding change: c.1034G>A on transcript NM_004168.4 (MANE Select); coding-DNA position 1034, G replaced by A.
Protein change: p.Arg345Gln; replaces arginine 345 with glutamine.
Molecular consequence: missense variant.
Genome position (GRCh38, 1-based): chr5:233,615, G>A. VCF-style: chr5-233615-G-A. GRCh37 (hg19) VCF-style: chr5-233730-G-A.
Other names: c.890G>A, p.Arg297Gln (NM_001294332.2); c.1034G>A, p.Arg345Gln (NM_001330758.2); short protein forms R345Q, R297Q.
Identifiers: ClinVar variation 472295 (VCV000472295.18), dbSNP rs1483236652, ClinGen allele CA359012928.